The following is an entry in ClinVar:

ClinVar aggregate classification (germline): Likely benign. Review status: criteria provided, multiple submitters, no conflicts (2 of 4 stars). 2 submissions from 2 submitters: Likely benign (2). Last evaluated 2024-04-23.

Allele frequency attached by ClinVar (database versions not stated): gnomAD 0.00001; TOPMed 0.00003; gnomAD exomes 0.00004; ESP Exome Variant Server 0.00022; ExAC 0.00026.
gnomAD v4.1: 60 of 1,536,694 alleles (0.0039%); highest among the groups gnomAD compares: East Asian, 0.0024%; no homozygotes.

Submissions (2):

Blueprint Genetics
Classification: Likely benign. Last evaluated: 2024-04-23. Review status: criteria provided, single submitter. Criteria: ACMG Guidelines, 2015. Collection method: clinical testing. Allele origin: germline.

CeGaT Center for Human Genetics Tuebingen
Classification: Likely benign. Last evaluated: 2023-10-01. Review status: criteria provided, single submitter. Criteria: CeGaT Center For Human Genetics Tuebingen Variant Classification Criteria Version 2. Collection method: clinical testing. Allele origin: germline. Affected: yes. Observed: 2 variant alleles.
Comment: WDR26: PP2, BS2

NM_001379403.1(WDR26):c.575T>C (p.Val192Ala)

Gene: WDR26 (WD repeat domain 26; minus strand). Cytogenetic location: 1q42.12.
Variant type: single nucleotide variant.
Coding change: c.575T>C on transcript NM_001379403.1 (MANE Select); coding-DNA position 575, T replaced by C.
Protein change: p.Val192Ala; replaces valine 192 with alanine.
Molecular consequence: missense variant.
Genome position (GRCh38, 1-based): chr1:224,433,831, A>G on the plus strand (T>C on the coding strand, the complement: WDR26 is on the minus strand). VCF-style: chr1-224433831-A-G. GRCh37 (hg19) VCF-style: chr1-224621533-A-G.
Other names: c.275T>C, p.Val92Ala (NM_001115113.3, NM_025160.7); short protein forms V192A, V92A.
Identifiers: ClinVar variation 1711240 (VCV001711240.31), dbSNP rs375450160, ClinGen allele CA1415183.